The following is an entry in ClinVar:

ClinVar aggregate classification (germline): Likely benign. Review status: criteria provided, multiple submitters, no conflicts (2 of 4 stars). 3 submissions from 3 submitters: Likely benign (3). Last evaluated 2026-09-13.

Conditions:
Fanconi anemia (FA). Also called: Fanconi's anemia. Identifiers: Orphanet 84, MedGen C0015625, MeSH D005199, MONDO:0019391.
Inborn genetic diseases. Identifiers: MedGen C0950123, MeSH D030342.
FANCA-related disorder. Also called: FANCA-related condition.

Submissions (3):

Ambry Genetics
Classification: Likely benign for Inborn genetic diseases. Last evaluated: 2026-09-13. Review status: criteria provided, single submitter. Criteria: Ambry Variant Classification Scheme 2023. Collection method: clinical testing. Allele origin: germline.

PreventionGenetics, part of Exact Sciences
Classification: Likely benign for FANCA-related condition. Last evaluated: 2025-11-13. Review status: criteria provided, single submitter. Criteria: ACMG Guidelines, 2015. Collection method: clinical testing. Allele origin: germline.
Comment: This variant is classified as likely benign based on ACMG/AMP sequence variant interpretation guidelines (Richards et al. 2015 PMID: 25741868, with internal and published modifications).

Labcorp Genetics (formerly Invitae), Labcorp
Classification: Likely benign for Fanconi anemia. Last evaluated: 2025-01-19. Review status: criteria provided, single submitter. Criteria: Invitae Variant Classification Sherloc (09022015). Collection method: clinical testing. Allele origin: germline.

NM_000135.4(FANCA):c.3360C>T (p.Cys1120=)

Gene: FANCA (FA complementation group A; minus strand). Cytogenetic location: 16q24.3.
Variant type: single nucleotide variant.
Coding change: c.3360C>T on transcript NM_000135.4 (MANE Select); coding-DNA position 3360, C replaced by T.
Protein change: p.Cys1120=; no amino-acid change (cysteine 1120 retained).
Molecular consequence: synonymous variant.
Genome position (GRCh38, 1-based): chr16:89,746,879, G>A on the plus strand (C>T on the coding strand, the complement: FANCA is on the minus strand). VCF-style: chr16-89746879-G-A. GRCh37 (hg19) VCF-style: chr16-89813287-G-A.
Other names: c.3360C>T (NM_000135.2); c.3360C>T, p.Cys1120= (NM_001286167.3).
Identifiers: ClinVar variation 1545752 (VCV001545752.10), dbSNP rs2143109489, ClinGen allele CA497195634.